The following is an entry in ClinVar:

NM_000186.4(CFH):c.927C>G (p.Cys309Trp)

Gene: CFH (complement factor H; plus strand). Cytogenetic location: 1q31.3.
Variant type: single nucleotide variant.
Coding change: c.927C>G on transcript NM_000186.4 (MANE Select); coding-DNA position 927, C replaced by G.
Protein change: p.Cys309Trp; replaces cysteine 309 with tryptophan.
Molecular consequence: missense variant.
Genome position (GRCh38, 1-based): chr1:196,685,200, C>G. VCF-style: chr1-196685200-C-G. GRCh37 (hg19) VCF-style: chr1-196654330-C-G.
Other names: c.927C>G, p.Cys309Trp (NM_001014975.3); short protein forms C309W.
Identifiers: ClinVar variation 4291333 (VCV004291333.2).

ClinVar aggregate classification (germline): Uncertain significance (1 of 4 stars; one submission).

Conditions:
Atypical hemolytic-uremic syndrome. Identifiers: Orphanet 2134, MedGen C2931788, MONDO:0016244.

Submission:

Genomenon, Inc
Classification: Uncertain significance for Atypical hemolytic-uremic syndrome. Last evaluated: 2026-09-17. Review status: criteria provided, single submitter. Criteria: Genomenon Sequence Variant Interpretation Standards - Updated. Collection method: curation. Allele origin: germline. Affected: yes.
Comment: CFH p.Cys309Trp (c.927C>G) is a missense variant that changes the amino acid at codon 309 from cysteine to tryptophan. This variant has been observed in at least one proband affected with atypical hemolytic-uremic syndrome (PMID: 28941939). Functional studies have been reported (PMID: 28941939). It is absent or not present at a significant frequency in gnomAD. In silico models predict that this variant is possibly or probably damaging. In conclusion, we classify CFH p.Cys309Trp (c.927C>G) as a variant of uncertain significance.

Literature cited by the submitters: PubMed 28941939.